The following is an entry in ClinVar:

ClinVar aggregate classification (germline): Conflicting classifications of pathogenicity. Review status: criteria provided, conflicting classifications (1 of 4 stars). 2 submissions from 2 submitters: Uncertain significance (1); Likely benign (1). Last evaluated 2025-10-21.

Conditions:
Primary dilated cardiomyopathy (DCM). Also called: Dilated Cardiomyopathy. Identifiers: Orphanet 217604, MedGen C0007193, MeSH D002311, MONDO:0005021, HP:0001644. Inheritance: Various modes of inheritance.
Hypertrophic cardiomyopathy. Also called: HYPERTROPHIC MYOCARDIOPATHY. Identifiers: Orphanet 217569, MedGen C0007194, MeSH D002312, MONDO:0005045, HP:0001639.

Allele frequency attached by ClinVar (database versions not stated): gnomAD exomes 0.00003 and 0.00005; TOPMed 0.00004; ExAC 0.00006; ESP Exome Variant Server 0.00008; gnomAD 0.00008; 1000 Genomes Project 30x 0.00016; 1000 Genomes Project 0.00020.
gnomAD v4.1: 48 of 1,585,306 alleles (0.003%); highest among the groups gnomAD compares: Middle Eastern, 0.017%; no homozygotes.

Submissions (2):

Labcorp Genetics (formerly Invitae), Labcorp
Classification: Uncertain significance for Hypertrophic cardiomyopathy; Primary dilated cardiomyopathy. Last evaluated: 2025-10-21. Review status: criteria provided, single submitter. Criteria: Invitae Variant Classification Sherloc (09022015). Collection method: clinical testing. Allele origin: germline.
Comment: This sequence change falls in intron 3 of the PDLIM3 gene. It does not directly change the encoded amino acid sequence of the PDLIM3 protein. It affects a nucleotide within the consensus splice site. This variant is present in population databases (rs373377356, gnomAD 0.03%). This variant has not been reported in the literature in individuals affected with PDLIM3-related conditions. ClinVar contains an entry for this variant (Variation ID: 510272). Variants that disrupt the consensus splice site are a relatively common cause of aberrant splicing (PMID: 17576681, 9536098). Algorithms developed to predict the effect of sequence changes on RNA splicing suggest that this variant is not likely to affect RNA splicing. In summary, the available evidence is currently insufficient to determine the role of this variant in disease. Therefore, it has been classified as a Variant of Uncertain Significance.

GeneDx
Classification: Likely benign. Last evaluated: 2017-06-19. Review status: criteria provided, single submitter. Criteria: GeneDx Variant Classification (06012015). Collection method: clinical testing. Allele origin: germline. Affected: yes.
Comment: This variant is considered likely benign or benign based on one or more of the following criteria: it is a conservative change, it occurs at a poorly conserved position in the protein, it is predicted to be benign by multiple in silico algorithms, and/or has population frequency not consistent with disease.

Literature cited by the submitters: PubMed 17576681 (cited by Labcorp Genetics (formerly Invitae), Labcorp); PubMed 9536098 (cited by Labcorp Genetics (formerly Invitae), Labcorp).

NM_014476.6(PDLIM3):c.330+6C>T

Gene: PDLIM3 (PDZ and LIM domain 3; minus strand). Cytogenetic location: 4q35.1.
Variant type: single nucleotide variant.
Coding change: c.330+6C>T on transcript NM_014476.6 (MANE Select); 6 bases into the intron after coding-DNA position 330, C replaced by T.
Molecular consequence: intron variant.
Genome position (GRCh38, 1-based): chr4:185,523,356, G>A on the plus strand (C>T on the coding strand, the complement: PDLIM3 is on the minus strand). VCF-style: chr4-185523356-G-A. GRCh37 (hg19) VCF-style: chr4-186444510-G-A.
Other names: c.94-9019C>T (NM_001257963.2); c.330+6C>T (NM_001257962.2, NM_001114107.5).
Identifiers: ClinVar variation 510272 (VCV000510272.7), dbSNP rs373377356, ClinGen allele CA3159851.
Genomic context (GRCh38, chr4:185,523,356, plus strand): 5'-CCTTGGAAGGCATCCCCATGATTTAAAAGGAAATACAATGTGTATCATTTGCTCTAAAAC[G>A]CATACCTGTGGTTCTGATTCTAAGTTGATTTTGAAAGGATGGGCTTTCCCATCTTCAGAT-3'